The following is an entry in ClinVar:

NM_000071.3(CBS):c.1005_1006delinsTT (p.Arg336Cys)

Gene: CBS (cystathionine beta-synthase; minus strand). Cytogenetic location: 21q22.3.
Variant type: Indel.
Coding change: c.1005_1006delinsTT on transcript NM_000071.3 (MANE Select); coding-DNA positions 1005 to 1006, CC replaced by TT.
Protein change: p.Arg336Cys; replaces arginine 336 with cysteine.
Molecular consequence: missense variant.
Genome position (GRCh38, 1-based): chr21:43,062,344-43,062,345, GG replaced by AA on the plus strand (CC replaced by TT on the coding strand, the reverse complement: CBS is on the minus strand). VCF-style: chr21-43062344-GG-AA. GRCh37 (hg19) VCF-style: chr21-44482454-GG-AA.
Other names: c.1005_1006delinsTT, p.Arg336Cys (NM_001178008.3, NM_001178009.3, NM_001320298.2); c.690_691delinsTT, p.Arg231Cys (NM_001321072.1); c.1005_1006delCCinsTT (NM_000071.2); short protein forms R231C, R336C.
Identifiers: ClinVar variation 419185 (VCV000419185.10), dbSNP rs1064793703, ClinGen allele CA16621014.

ClinVar aggregate classification (germline): Pathogenic. Review status: criteria provided, multiple submitters, no conflicts (2 of 4 stars). 2 submissions from 2 submitters: Pathogenic (2). Last evaluated 2026-01-11.

Conditions:
HYPERHOMOCYSTEINEMIA, THROMBOTIC, CBS-RELATED. Identifiers: MedGen C3150344, OMIM 236200.

Submissions (2):

Labcorp Genetics (formerly Invitae), Labcorp
Classification: Pathogenic for HYPERHOMOCYSTEINEMIA, THROMBOTIC, CBS-RELATED. Last evaluated: 2026-01-11. Review status: criteria provided, single submitter. Criteria: Invitae Variant Classification Sherloc (09022015). Collection method: clinical testing. Allele origin: germline.
Comment: This sequence change replaces arginine, which is basic and polar, with cysteine, which is neutral and slightly polar, at codon 336 of the CBS protein (p.Arg336Cys). Information on the frequency of this variant in the gnomAD database is not available, as this variant may be reported differently in the database. This missense change has been observed in individual(s) with homocystinuria (PMID: 10408774, 12815602, 16205833, 21517828). It has also been observed to segregate with disease in related individuals. ClinVar contains an entry for this variant (Variation ID: 419185). Algorithms developed to predict the effect of variants on gene product structure and function are not available or were not evaluated for this variant. Experimental studies have shown that this missense change affects CBS function (PMID: 10408774, 16205833, 16429402, 26464485). For these reasons, this variant has been classified as Pathogenic.

GeneDx
Classification: Pathogenic. Last evaluated: 2017-01-17. Review status: criteria provided, single submitter. Criteria: GeneDx Variant Classification (06012015). Collection method: clinical testing. Allele origin: germline. Affected: yes.
Comment: The c.1005_1006delCCinsTT variant in the CBS gene has previously been reported in an individual with B6-non-responsive CBS deficiency using alternative nomenclature (de Franchis et al., 1999). The c.1005_1006delCCinsTT variant results in the replacement of an Arginine residue at position 336 with a Cysteine residue, denoted p.Arg336Cys. Functional analysis of R336C found that this variant is associated with no detectable residue enzyme activity compared to wild-type (de Franchis et al., 1999). Furthermore another nucleotide substitution, c.1006C>T, that also encodes for R336C, has also been reported previously in association with vitamin B6-non-responsive CBS deficiency ( El-Said et al., 2006). Therefore, we interpret c.1005_1006delCCinsTT to be a pathogenic variant.

Literature cited by the submitters: PubMed 10408774 (cited by Labcorp Genetics (formerly Invitae), Labcorp); PubMed 12815602 (cited by Labcorp Genetics (formerly Invitae), Labcorp); PubMed 16205833 (cited by Labcorp Genetics (formerly Invitae), Labcorp); PubMed 21517828 (cited by Labcorp Genetics (formerly Invitae), Labcorp); PubMed 16429402 (cited by Labcorp Genetics (formerly Invitae), Labcorp); PubMed 26464485 (cited by Labcorp Genetics (formerly Invitae), Labcorp).